The following is an entry in ClinVar:

NM_032447.5(FBN3):c.6339T>A (p.Phe2113Leu)

Gene: FBN3 (fibrillin 3; minus strand). Cytogenetic location: 19p13.2.
Variant type: single nucleotide variant.
Coding change: c.6339T>A on transcript NM_032447.5 (MANE Select); coding-DNA position 6339, T replaced by A.
Protein change: p.Phe2113Leu; replaces phenylalanine 2113 with leucine.
Molecular consequence: missense variant.
Genome position (GRCh38, 1-based): chr19:8,089,582, A>T on the plus strand (T>A on the coding strand, the complement: FBN3 is on the minus strand). VCF-style: chr19-8089582-A-T. GRCh37 (hg19) VCF-style: chr19-8154466-A-T.
Other names: c.6339T>A, p.Phe2113Leu (NM_001321431.2); short protein forms F2113L.
Identifiers: ClinVar variation 3611113 (VCV003611113.2).

ClinVar aggregate classification (germline): Uncertain significance (1 of 4 stars; one submission).

gnomAD v4.1: 18 of 1,614,062 alleles (0.0011%); highest among the groups gnomAD compares: Non-Finnish European, 0.0014%; no homozygotes.

Submission:

Labcorp Genetics (formerly Invitae), Labcorp
Classification: Uncertain significance. Last evaluated: 2024-03-17. Review status: criteria provided, single submitter. Criteria: Invitae Variant Classification Sherloc (09022015). Collection method: clinical testing. Allele origin: germline.
Comment: This sequence change replaces phenylalanine, which is neutral and non-polar, with leucine, which is neutral and non-polar, at codon 2113 of the FBN3 protein (p.Phe2113Leu). This variant is present in population databases (rs763303384, gnomAD 0.006%). This variant has not been reported in the literature in individuals affected with FBN3-related conditions. Advanced modeling of protein sequence and biophysical properties (such as structural, functional, and spatial information, amino acid conservation, physicochemical variation, residue mobility, and thermodynamic stability) performed at Invitae indicates that this missense variant is not expected to disrupt FBN3 protein function with a negative predictive value of 80%. In summary, the available evidence is currently insufficient to determine the role of this variant in disease. Therefore, it has been classified as a Variant of Uncertain Significance.